The following is an entry in ClinVar:

NM_017721.5(CC2D1A):c.2029G>A (p.Asp677Asn)

Gene: CC2D1A (coiled-coil and C2 domain containing 1A; plus strand). Cytogenetic location: 19p13.12.
Variant type: single nucleotide variant.
Coding change: c.2029G>A on transcript NM_017721.5 (MANE Select); coding-DNA position 2029, G replaced by A.
Protein change: p.Asp677Asn; replaces aspartic acid 677 with asparagine.
Molecular consequence: missense variant.
Genome position (GRCh38, 1-based): chr19:13,926,681, G>A. VCF-style: chr19-13926681-G-A. GRCh37 (hg19) VCF-style: chr19-14037494-G-A.
Other names: c.2029G>A, p.Asp677Asn (NM_001411138.1); short protein forms D677N.
Identifiers: ClinVar variation 2354988 (VCV002354988.4), dbSNP rs375912206, ClinGen allele CA9244905.

ClinVar aggregate classification (germline): Conflicting classifications of pathogenicity. Review status: criteria provided, conflicting classifications (1 of 4 stars). 3 submissions from 3 submitters: Uncertain significance (2); Likely benign (1). Last evaluated 2025-06-07.

Conditions:
Inborn genetic diseases. Identifiers: MedGen C0950123, MeSH D030342.

Allele frequency attached by ClinVar (database versions not stated): ExAC 0.00011; gnomAD 0.00019; TOPMed 0.00019; ESP Exome Variant Server 0.00032.
gnomAD v4.1: 441 of 1,614,046 alleles (0.027%); highest among the groups gnomAD compares: Non-Finnish European, 0.035%; 1 homozygote.

Submissions (3):

GeneDx
Classification: Uncertain significance. Last evaluated: 2025-06-07. Review status: criteria provided, single submitter. Criteria: GeneDx Variant Classification Process June 2021. Collection method: clinical testing. Allele origin: germline. Affected: yes.
Comment: In silico analysis supports that this missense variant has a deleterious effect on protein structure/function; Has not been previously published as pathogenic or benign to our knowledge

Blueprint Genetics
Classification: Uncertain significance. Last evaluated: 2022-12-05. Review status: criteria provided, single submitter. Criteria: ACMG Guidelines, 2015. Collection method: clinical testing. Allele origin: germline.

Ambry Genetics
Classification: Likely benign for Inborn genetic diseases. Last evaluated: 2021-11-08. Review status: criteria provided, single submitter. Criteria: Ambry Variant Classification Scheme 2023. Collection method: clinical testing. Allele origin: germline.